The following is an entry in ClinVar:

NM_006734.4(HIVEP2):c.4199G>A (p.Gly1400Asp)

Gene: HIVEP2 (HIVEP zinc finger 2; minus strand). Cytogenetic location: 6q24.2.
Variant type: single nucleotide variant.
Coding change: c.4199G>A on transcript NM_006734.4 (MANE Select); coding-DNA position 4199, G replaced by A.
Protein change: p.Gly1400Asp; replaces glycine 1400 with aspartic acid.
Molecular consequence: missense variant.
Genome position (GRCh38, 1-based): chr6:142,770,540, C>T on the plus strand (G>A on the coding strand, the complement: HIVEP2 is on the minus strand). VCF-style: chr6-142770540-C-T. GRCh37 (hg19) VCF-style: chr6-143091677-C-T.
Other names: short protein forms G1400D.
Identifiers: ClinVar variation 1310099 (VCV001310099.2), dbSNP rs1562504671, ClinGen allele CA365900635.

ClinVar aggregate classification (germline): Uncertain significance (1 of 4 stars; one submission).

Submission:

GeneDx
Classification: Uncertain significance. Last evaluated: 2019-08-29. Review status: criteria provided, single submitter. Criteria: GeneDx Variant Classification Process June 2021. Collection method: clinical testing. Allele origin: germline. Affected: yes.
Comment: Not observed in large population cohorts (Lek et al., 2016); In silico analysis, which includes protein predictors and evolutionary conservation, supports that this variant does not alter protein structure/function; Has not been previously published as pathogenic or benign to our knowledge